The following is an entry in ClinVar:

NM_003072.5(SMARCA4):c.1740_1742del (p.Lys588del)

Gene: SMARCA4 (SWI/SNF related BAF chromatin remodeling complex subunit ATPase 4; plus strand). Cytogenetic location: 19p13.2.
Variant type: Deletion.
Coding change: c.1740_1742del on transcript NM_003072.5 (MANE Select); coding-DNA positions 1740 to 1742, 3 bases deleted (AAA; older notation c.1740_1742delAAA).
Protein change: p.Lys588del; deletes lysine 588.
Molecular consequence: inframe deletion. On other transcripts: non-coding transcript variant (1).
Genome position (GRCh38, 1-based): chr19:10,996,359-10,996,361, AAA deleted; deleting any 3 consecutive bases within chr19:10,996,357-10,996,361 gives the same sequence; the c. name uses the placement nearest the transcript's 3' end. VCF-style (leftmost placement, unchanged base first): chr19-10996356-GAAA-G. GRCh37 (hg19) VCF-style: chr19-11107032-GAAA-G.
Other names: c.1740_1742del, p.Lys588del (NM_001128844.3, NM_001128845.2, NM_001128846.2 and 4 more transcripts); short protein forms K588del.
Identifiers: ClinVar variation 819947 (VCV000819947.7), dbSNP rs1600082816, ClinGen allele CA915951656.

ClinVar aggregate classification (germline): Uncertain significance. Review status: criteria provided, multiple submitters, no conflicts (2 of 4 stars). 2 submissions from 2 submitters: Uncertain significance (2). Last evaluated 2025-08-14.

Conditions:
Rhabdoid tumor predisposition syndrome 2 (RTPS2). Identifiers: Orphanet 231108, Orphanet 69077, MedGen C2750074, MONDO:0013224, OMIM 613325.
Hereditary cancer-predisposing syndrome. Also called: Neoplastic Syndromes, Hereditary; Tumor predisposition; Hereditary Cancer Syndrome; Hereditary neoplastic syndrome. Identifiers: Orphanet 140162, MedGen C0027672, MeSH D009386, MONDO:0015356.

Submissions (2):

Labcorp Genetics (formerly Invitae), Labcorp
Classification: Uncertain significance for Rhabdoid tumor predisposition syndrome 2. Last evaluated: 2025-08-14. Review status: criteria provided, single submitter. Criteria: Invitae Variant Classification Sherloc (09022015). Collection method: clinical testing. Allele origin: germline.
Comment: This variant, c.1740_1742del, results in the deletion of 1 amino acid(s) of the SMARCA4 protein (p.Lys588del), but otherwise preserves the integrity of the reading frame. This variant is not present in population databases (gnomAD no frequency). This variant has not been reported in the literature in individuals affected with SMARCA4-related conditions. ClinVar contains an entry for this variant (Variation ID: 819947). Experimental studies and prediction algorithms are not available or were not evaluated, and the functional significance of this variant is currently unknown. In summary, the available evidence is currently insufficient to determine the role of this variant in disease. Therefore, it has been classified as a Variant of Uncertain Significance.

Ambry Genetics
Classification: Uncertain significance for Hereditary cancer-predisposing syndrome. Last evaluated: 2024-05-15. Review status: criteria provided, single submitter. Criteria: Ambry Variant Classification Scheme 2023. Collection method: clinical testing. Allele origin: germline.
Comment: The c.1740_1742delAAA variant (also known as p.K588del) is located in coding exon 9 of the SMARCA4 gene. This variant results from an in-frame AAA deletion at nucleotide positions 1740 to 1742. This results in the in-frame deletion of a lysine at codon 588. This amino acid position is highly conserved in available vertebrate species. In addition, the in silico prediction for this alteration is inconclusive (Choi Y et al. PLoS ONE. 2012; 7(10):e46688). Based on the available evidence, the clinical significance of this variant remains unclear.